The following is an entry in ClinVar:

NM_198239.2(CCN6):c.587del (p.Pro196fs)

Gene: CCN6 (cellular communication network factor 6; plus strand). Cytogenetic location: 6q21.
Variant type: Deletion.
Coding change: c.587del on transcript NM_198239.2 (MANE Select); coding-DNA position 587, one base deleted (C; older notation c.587delC).
Protein change: p.Pro196fs; shifts the reading frame from proline 196.
Molecular consequence: frameshift variant. On other transcripts: non-coding transcript variant (2).
Genome position (GRCh38, 1-based): chr6:112,064,995, C deleted; the last of 2 consecutive C bases (chr6:112,064,994-112,064,995); deleting either gives the same sequence. VCF-style (leftmost placement, unchanged base first): chr6-112064993-GC-G. GRCh37 (hg19) VCF-style: chr6-112386196-GC-G.
Other names: c.587del, p.Pro196fs (NM_003880.4); short protein forms P196fs.
Identifiers: ClinVar variation 1680467 (VCV001680467.6), dbSNP rs782293823, ClinGen allele CA144881874.

ClinVar aggregate classification (germline): Pathogenic (1 of 4 stars; one submission).

Submission:

Labcorp Genetics (formerly Invitae), Labcorp
Classification: Pathogenic. Last evaluated: 2023-07-12. Review status: criteria provided, single submitter. Criteria: Invitae Variant Classification Sherloc (09022015). Collection method: clinical testing. Allele origin: germline.
Comment: This sequence change creates a premature translational stop signal (p.Pro196Glnfs*36) in the WISP3 gene. It is expected to result in an absent or disrupted protein product. Loss-of-function variants in WISP3 are known to be pathogenic (PMID: 22791401). This variant is present in population databases (rs782293823, gnomAD 0.0009%). This variant has not been reported in the literature in individuals affected with WISP3-related conditions. For these reasons, this variant has been classified as Pathogenic. ClinVar contains an entry for this variant (Variation ID: 1680467).

Literature cited by the submitters: PubMed 22791401.